The following is an entry in ClinVar:

ClinVar aggregate classification (germline): Likely benign. Review status: criteria provided, multiple submitters, no conflicts (2 of 4 stars). 3 submissions from 3 submitters: Likely benign (3). Last evaluated 2026-07-24.

Conditions:
GNAT2-related disorder. Also called: GNAT2-related condition.

gnomAD v4.1: 6 of 1,610,070 alleles (0.00037%); highest among the groups gnomAD compares: Middle Eastern, 0.017%; no homozygotes.

Submissions (3):

PreventionGenetics, part of Exact Sciences
Classification: Likely benign for GNAT2-related condition. Last evaluated: 2026-07-24. Review status: criteria provided, single submitter. Criteria: ACMG Guidelines, 2015. Collection method: clinical testing. Allele origin: germline.
Comment: This variant is classified as likely benign based on ACMG/AMP sequence variant interpretation guidelines (Richards et al. 2015 PMID: 25741868, with internal and published modifications).

Labcorp Genetics (formerly Invitae), Labcorp
Classification: Likely benign. Last evaluated: 2024-08-28. Review status: criteria provided, single submitter. Criteria: Invitae Variant Classification Sherloc (09022015). Collection method: clinical testing. Allele origin: germline.

Blueprint Genetics
Classification: Likely benign. Last evaluated: 2024-03-08. Review status: criteria provided, single submitter. Criteria: ACMG Guidelines, 2015. Collection method: clinical testing. Allele origin: germline.

NM_001377295.2(GNAT2):c.897G>C (p.Ala299=)

Gene: GNAT2 (G protein subunit alpha transducin 2; minus strand). Cytogenetic location: 1p13.3.
Variant type: single nucleotide variant.
Coding change: c.897G>C on transcript NM_001377295.2 (MANE Select); coding-DNA position 897, G replaced by C.
Protein change: p.Ala299=; no amino-acid change (alanine 299 retained).
Molecular consequence: synonymous variant.
Genome position (GRCh38, 1-based): chr1:109,603,522, C>G on the plus strand (G>C on the coding strand, the complement: GNAT2 is on the minus strand). VCF-style: chr1-109603522-C-G. GRCh37 (hg19) VCF-style: chr1-110146144-C-G.
Other names: c.897G>C, p.Ala299= (NM_001379232.1, NM_005272.5); c.897G>C (NM_005272.3).
Identifiers: ClinVar variation 3604101 (VCV003604101.4).